The following is an entry in ClinVar:

NM_020987.5(ANK3):c.12653T>C (p.Val4218Ala)

Gene: ANK3 (ankyrin 3; minus strand). Cytogenetic location: 10q21.2.
Variant type: single nucleotide variant.
Coding change: c.12653T>C on transcript NM_020987.5 (MANE Select); coding-DNA position 12653, T replaced by C.
Protein change: p.Val4218Ala; replaces valine 4218 with alanine.
Molecular consequence: missense variant.
Genome position (GRCh38, 1-based): chr10:60,059,373, A>G on the plus strand (T>C on the coding strand, the complement: ANK3 is on the minus strand). VCF-style: chr10-60059373-A-G. GRCh37 (hg19) VCF-style: chr10-61819131-A-G.
Other names: c.2525T>C, p.Val842Ala (NM_001149.4); c.5105T>C, p.Val1702Ala (NM_001204403.2); c.5126T>C, p.Val1709Ala (NM_001204404.2); c.5123T>C, p.Val1708Ala (NM_001320874.2); short protein forms V1702A, V1708A, V1709A, V4218A, V842A.
Identifiers: ClinVar variation 3905446 (VCV003905446.10).

ClinVar aggregate classification (germline): Uncertain significance (1 of 4 stars; one submission).

Submission:

CeGaT Center for Human Genetics Tuebingen
Classification: Uncertain significance. Last evaluated: 2025-05-01. Review status: criteria provided, single submitter. Criteria: CeGaT Center For Human Genetics Tuebingen Variant Classification Criteria Version 2. Collection method: clinical testing. Allele origin: germline. Affected: yes. Observed: 1 variant allele.
Comment: ANK3: PM2, BP4